The following is an entry in ClinVar:

ClinVar aggregate classification (germline): Likely benign. Review status: criteria provided, multiple submitters, no conflicts (2 of 4 stars). 2 submissions from 2 submitters: Likely benign (2). Last evaluated 2017-04-27.

Conditions:
Hereditary spastic paraplegia 48. Also called: SPASTIC PARAPLEGIA 48, AUTOSOMAL RECESSIVE; Spastic paraplegia 48. Identifiers: Orphanet 306511, MedGen C3150901, MONDO:0013342, OMIM 613647.

Allele frequency attached by ClinVar (database versions not stated): gnomAD exomes 0.01389; 1000 Genomes Project 0.06030; gnomAD 0.06099 and 0.06399; 1000 Genomes Project 30x 0.06433; TOPMed 0.06724.
gnomAD v4.1: 9,233 of 152,200 alleles (6.1%); highest among the groups gnomAD compares: African/African-American, 16%; 585 homozygotes.

Submissions (2):

Illumina Laboratory Services, Illumina
Classification: Likely benign for Hereditary spastic paraplegia 48. Last evaluated: 2017-04-27. Review status: criteria provided, single submitter. Criteria: ICSL Variant Classification Criteria 13 December 2019. Collection method: clinical testing. Allele origin: germline.
Comment: This variant was observed as part of a predisposition screen in an ostensibly healthy population. A literature search was performed for the gene, cDNA change, and amino acid change (where applicable). No publications were found based on this search. Allele frequency data from public databases allowed determination this variant is unlikely to cause disease. Therefore, this variant is classified as likely benign.

Breakthrough Genomics
Classification: Likely benign. Review status: criteria provided, single submitter. Criteria: ACMG Guidelines, 2015. Collection method: not provided. Allele origin: germline. Inheritance: Autosomal recessive inheritance. Affected: yes.

NM_014855.3(AP5Z1):c.*761G>A

Gene: AP5Z1 (adaptor related protein complex 5 subunit zeta 1; plus strand). Cytogenetic location: 7p22.1.
Variant type: single nucleotide variant.
Coding change: c.*761G>A on transcript NM_014855.3 (MANE Select); 761 bases downstream of the stop codon, G replaced by A.
Molecular consequence: 3 prime UTR variant. On other transcripts: non-coding transcript variant (1).
Genome position (GRCh38, 1-based): chr7:4,792,146, G>A. VCF-style: chr7-4792146-G-A. GRCh37 (hg19) VCF-style: chr7-4831777-G-A.
Other names: c.*761G>A (LRG_1247t1, NM_001364858.1).
Identifiers: ClinVar variation 360362 (VCV000360362.6), dbSNP rs115198050, ClinGen allele CA10624063.